The following is an entry in ClinVar:

ClinVar aggregate classification (germline): Uncertain significance (1 of 4 stars; one submission).

Conditions:
Hereditary pancreatitis (PCTT). Also called: Hereditary chronic pancreatitis; PRSS1-Related Hereditary Pancreatitis. Identifiers: Orphanet 676, MedGen C0238339, MONDO:0008185, OMIM 167800.

Allele frequency attached by ClinVar (database versions not stated): gnomAD exomes below 0.00001.
gnomAD v4.1: 1 of 1,614,022 alleles (0.000062%); highest among the groups gnomAD compares: East Asian, 0.0022%; no homozygotes.

Submission:

Ambry Genetics
Classification: Uncertain significance for Hereditary pancreatitis. Last evaluated: 2021-10-19. Review status: criteria provided, single submitter. Criteria: Ambry Variant Classification Scheme 2023. Collection method: clinical testing. Allele origin: germline.
Comment: The p.S124F variant (also known as c.371C>T), located in coding exon 3 of the PRSS1 gene, results from a C to T substitution at nucleotide position 371. The serine at codon 124 is replaced by phenylalanine, an amino acid with highly dissimilar properties. This amino acid position is poorly conserved in available vertebrate species. In addition, the in silico prediction for this alteration is inconclusive. Since supporting evidence is limited at this time, the clinical significance of this alteration remains unclear.

NM_002769.5(PRSS1):c.371C>T (p.Ser124Phe)

Genes: PRSS1 (serine protease 1; plus strand), TRB (T cell receptor beta locus; plus strand). Cytogenetic location: 7q34.
Variant type: single nucleotide variant.
Coding change: c.371C>T on transcript NM_002769.5 (MANE Select); coding-DNA position 371, C replaced by T.
Protein change: p.Ser124Phe; replaces serine 124 with phenylalanine.
Molecular consequence: missense variant. On other transcripts: non-coding transcript variant (5).
Genome position (GRCh38, 1-based): chr7:142,751,944, C>T. VCF-style: chr7-142751944-C-T. GRCh37 (hg19) VCF-style: chr7-142459795-C-T.
Other names: short protein forms S124F.
Identifiers: ClinVar variation 1734271 (VCV001734271.2), dbSNP rs1484849588, ClinGen allele CA369608973.